The following is an entry in ClinVar:

NM_007294.4(BRCA1):c.1411_1412insA (p.Leu471fs)

Gene: BRCA1 (BRCA1 DNA repair associated; minus strand). Cytogenetic location: 17q21.31.
Variant type: Insertion.
Coding change: c.1411_1412insA on transcript NM_007294.4 (MANE Select); coding-DNA positions 1411 to 1412, A inserted.
Protein change: p.Leu471fs; shifts the reading frame from leucine 471.
Molecular consequence: frameshift variant. On other transcripts: intron variant (137).
Genome position: GRCh38 VCF-style: chr17-43094119-A-AT. GRCh37 (hg19) VCF-style: chr17-41246136-A-AT.
Other names: c.643+624_643+625insA (NM_001408465.1, NM_001408463.1, NM_001408462.1 and 3 more transcripts); c.577+624_577+625insA (NM_001408482.1, NM_001408484.1, NM_001408478.1 and 9 more transcripts); c.520+624_520+625insA (NM_001408504.1, NM_001408503.1, NM_001408505.1); c.523+624_523+625insA (NM_001408499.1, NM_001408498.1, NM_001408501.1 and 3 more transcripts); c.670+1726_670+1727insA (NM_001408422.1, NM_001408418.1, NM_001408423.1 and 2 more transcripts); c.706+624_706+625insA (NM_001408416.1, NM_001408413.1); c.661+624_661+625insA (NM_001408450.1, NM_001408434.1, NM_001408447.1 and 6 more transcripts); c.784+624_784+625insA (NM_001408398.1, NM_001407992.1, NM_001408400.1 and 13 more transcripts); and 40 more; short protein forms L175fs, L303fs, L343fs, L344fs, L359fs, L360fs, L382fs, L383fs.
Identifiers: ClinVar variation 3254387 (VCV003254387.1), dbSNP rs2552210240.

ClinVar aggregate classification (germline): Pathogenic (1 of 4 stars; one submission).

Conditions:
Breast-ovarian cancer, familial, susceptibility to, 1 (BROVCA1). Also called: BRCA1 Hereditary Breast and Ovarian Cancer; OVARIAN CANCER, SUSCEPTIBILITY TO. Identifiers: Orphanet 145, MedGen C2676676, MONDO:0011450, OMIM 604370. Disease mechanism: loss of function.

Submission:

Myriad Genetics, Inc.
Classification: Pathogenic for Breast-ovarian cancer, familial, susceptibility to, 1. Last evaluated: 2024-05-14. Review status: criteria provided, single submitter. Criteria: Myriad Autosomal Dominant, Autosomal Recessive and X-Linked Classification Criteria (2023). Collection method: clinical testing. Allele origin: unknown.
Comment: This variant is considered pathogenic. This variant creates a frameshift predicted to result in premature protein truncation.